The following is an entry in ClinVar:

NM_021729.6(VPS11):c.1560A>G (p.Leu520=)

Gene: VPS11 (VPS11 core subunit of CORVET and HOPS complexes; plus strand). Cytogenetic location: 11q23.3.
Variant type: single nucleotide variant.
Coding change: c.1560A>G on transcript NM_021729.6 (MANE Select); coding-DNA position 1560, A replaced by G.
Protein change: p.Leu520=; no amino-acid change (leucine 520 retained).
Molecular consequence: synonymous variant. On other transcripts: non-coding transcript variant (8).
Genome position (GRCh38, 1-based): chr11:119,077,635, A>G. VCF-style: chr11-119077635-A-G. GRCh37 (hg19) VCF-style: chr11-118948345-A-G.
Other names: c.1530A>G, p.Leu510= (NM_001290185.2); c.1572A>G, p.Leu524= (NM_001378218.1, NM_001378219.1); c.1545A>G, p.Leu515= (NM_001378220.1); c.1542A>G, p.Leu514= (NM_001378221.1).
Identifiers: ClinVar variation 3067768 (VCV003067768.21), dbSNP rs1217795266, ClinGen allele CA477368022.

ClinVar aggregate classification (germline): Likely benign (1 of 4 stars; one submission).

Allele frequency attached by ClinVar (database versions not stated): gnomAD exomes 0.00001.
gnomAD v4.1: 9 of 1,601,712 alleles (0.00056%); highest among the groups gnomAD compares: Non-Finnish European, 0.00077%; no homozygotes.

Submission:

CeGaT Center for Human Genetics Tuebingen
Classification: Likely benign. Last evaluated: 2024-03-01. Review status: criteria provided, single submitter. Criteria: CeGaT Center For Human Genetics Tuebingen Variant Classification Criteria Version 2. Collection method: clinical testing. Allele origin: germline. Affected: yes. Observed: 1 variant allele.
Comment: VPS11: BP4, BP7